The following is an entry in ClinVar:

NM_001369.3(DNAH5):c.1326C>G (p.Tyr442Ter)

Gene: DNAH5 (dynein axonemal heavy chain 5; minus strand). Cytogenetic location: 5p15.2.
Variant type: single nucleotide variant.
Coding change: c.1326C>G on transcript NM_001369.3 (MANE Select); coding-DNA position 1326, C replaced by G.
Protein change: p.Tyr442Ter; replaces tyrosine 442 with a stop codon.
Molecular consequence: nonsense.
Genome position (GRCh38, 1-based): chr5:13,913,953, G>C on the plus strand (C>G on the coding strand, the complement: DNAH5 is on the minus strand). VCF-style: chr5-13913953-G-C. GRCh37 (hg19) VCF-style: chr5-13914062-G-C.
Other names: short protein forms Y442*.
Identifiers: ClinVar variation 1070742 (VCV001070742.7), dbSNP rs1291311803, ClinGen allele CA359214631.

ClinVar aggregate classification (germline): Pathogenic (1 of 4 stars; one submission).

Conditions:
Primary ciliary dyskinesia. Also called: Ciliary dyskinesia. Identifiers: Orphanet 244, MedGen C0008780, MONDO:0016575, HP:0012265.

Allele frequency attached by ClinVar (database versions not stated): gnomAD exomes below 0.00001.
gnomAD v4.1: 3 of 1,612,646 alleles (0.00019%); highest among the groups gnomAD compares: African/African-American, 0.0027%; no homozygotes.

Submission:

Labcorp Genetics (formerly Invitae), Labcorp
Classification: Pathogenic for Primary ciliary dyskinesia. Last evaluated: 2023-06-04. Review status: criteria provided, single submitter. Criteria: Invitae Variant Classification Sherloc (09022015). Collection method: clinical testing. Allele origin: germline.
Comment: For these reasons, this variant has been classified as Pathogenic. Algorithms developed to predict the effect of sequence changes on RNA splicing suggest that this variant may create or strengthen a splice site. ClinVar contains an entry for this variant (Variation ID: 1070742). This variant has not been reported in the literature in individuals affected with DNAH5-related conditions. This variant is not present in population databases (gnomAD no frequency). This sequence change creates a premature translational stop signal (p.Tyr442*) in the DNAH5 gene. It is expected to result in an absent or disrupted protein product. Loss-of-function variants in DNAH5 are known to be pathogenic (PMID: 11788826, 16627867).

Literature cited by the submitters: PubMed 11788826; PubMed 16627867.